The following is an entry in ClinVar:

NM_000784.4(CYP27A1):c.646G>C (p.Ala216Pro)

Gene: CYP27A1 (cytochrome P450 family 27 subfamily A member 1; plus strand). Cytogenetic location: 2q35.
Variant type: single nucleotide variant.
Coding change: c.646G>C on transcript NM_000784.4 (MANE Select); coding-DNA position 646, G replaced by C.
Protein change: p.Ala216Pro; replaces alanine 216 with proline.
Molecular consequence: missense variant.
Genome position (GRCh38, 1-based): chr2:218,812,421, G>C. VCF-style: chr2-218812421-G-C. GRCh37 (hg19) VCF-style: chr2-219677144-G-C.
Other names: c.646G>C; short protein forms A216P.
Identifiers: ClinVar variation 65885 (VCV000065885.65), dbSNP rs201346271, ClinGen allele CA345222.

ClinVar aggregate classification (germline): Pathogenic/Likely pathogenic. Review status: criteria provided, multiple submitters, no conflicts (2 of 4 stars). 18 submissions from 18 submitters: Pathogenic (12); Likely pathogenic (1). 5 of the submissions do not count toward it. Last evaluated 2026-09-01.

Conditions:
CYP27A1-related disorder. Also called: CYP27A1-related condition.
Cholestanol storage disease (CTX). Also called: Cerebrotendinous Xanthomatosis; CEREBRAL CHOLESTERINOSIS; CTX: Cerebrotendinous xanthomatosis. Identifiers: Orphanet 909, MedGen C0238052, MONDO:0008948, OMIM 213700.

Allele frequency attached by ClinVar (database versions not stated): gnomAD 0.00001 and 0.00002; ExAC 0.00002; gnomAD exomes 0.00002 and 0.00003; TOPMed 0.00002.

Submissions (18):

CeGaT Center for Human Genetics Tuebingen
Classification: Pathogenic. Last evaluated: 2026-09-01. Review status: criteria provided, single submitter. Criteria: CeGaT Center For Human Genetics Tuebingen Variant Classification Criteria Version 2. Collection method: clinical testing. Allele origin: germline. Affected: yes. Observed: 4 variant alleles.
Comment: CYP27A1: PM3:Strong, PM1, PM2, PS3:Moderate, PP4

Labcorp Genetics (formerly Invitae), Labcorp
Classification: Pathogenic for Cholestanol storage disease. Last evaluated: 2026-01-21. Review status: criteria provided, single submitter. Criteria: Invitae Variant Classification Sherloc (09022015). Collection method: clinical testing. Allele origin: germline.
Comment: This sequence change replaces alanine, which is neutral and non-polar, with proline, which is neutral and non-polar, at codon 216 of the CYP27A1 protein (p.Ala216Pro). This variant also falls at the last nucleotide of exon 3, which is part of the consensus splice site for this exon. This variant is present in population databases (rs201346271, gnomAD 0.006%). This missense change has been observed in individual(s) with cerebrotendinous xanthomatosis (PMID: 8827518, 10775536, 14999499, 24746394). This variant is also known as p.Ala183Pro. ClinVar contains an entry for this variant (Variation ID: 65885). Invitae Evidence Modeling of protein sequence and biophysical properties (such as structural, functional, and spatial information, amino acid conservation, physicochemical variation, residue mobility, and thermodynamic stability) indicates that this missense variant is expected to disrupt CYP27A1 protein function with a positive predictive value of 95%. Studies have shown that this missense change alters CYP27A1 gene expression (PMID: 8827518). Variants that disrupt the consensus splice site are a relatively common cause of aberrant splicing (PMID: 17576681, 9536098). Algorithms developed to predict the effect of sequence changes on RNA splicing suggest that this variant may disrupt the consensus splice site. For these reasons, this variant has been classified as Pathogenic.

Genomic Medicine Center of Excellence, King Faisal Specialist Hospital and Research Centre
Classification: Pathogenic for Cholestanol storage disease. Last evaluated: 2025-09-10. Review status: criteria provided, single submitter. Criteria: ACMG Guidelines, 2015. Collection method: clinical testing. Allele origin: germline.

Natera, Inc.
Classification: Pathogenic for Cerebrotendinous xanthomatosis. Last evaluated: 2025-05-17. Review status: criteria provided, single submitter. Criteria: Natera Variant Classification Schema (03/2026). Collection method: clinical testing. Allele origin: germline.
Comment: The c.646G>C variant in CYP27A1 is a missense variant predicted to cause substitution of alanine to proline at amino acid 216. This variant is rare in the general population with a frequency below the threshold expected for the associated phenotype(s). This variant has been observed in one or more individuals affected with the associated recessive disease, as either homozygous or compound heterozygous with a second variant (PMID: 22878431). Additionally, this variant has been observed to segregate in affected family members (PMID: 22878431). Computational prediction algorithms indicate this variant is likely to affect gene or protein function. Given the available evidence, this variant is classified as Pathogenic.

Laboratory of Genetics, Children's Clinical University Hospital Latvia
Classification: Pathogenic. Last evaluated: 2025-02-16. Review status: criteria provided, single submitter. Criteria: ACMG Guidelines, 2015. Collection method: clinical testing. Allele origin: germline. Affected: yes.

GeneDx
Classification: Pathogenic. Last evaluated: 2024-07-31. Review status: criteria provided, single submitter. Criteria: GeneDx Variant Classification Process June 2021. Collection method: clinical testing. Allele origin: germline. Affected: yes.
Comment: Non-canonical splice site variant demonstrated to result in loss-of-function (PMID: 8827518); In silico analysis supports that this missense variant has a deleterious effect on protein structure/function; This variant is associated with the following publications: (PMID: 16500955, 16816916, 25525159, 21604088, 26643207, 17697869, 17030721, 28894950, 31589614, 8827518, 14999499)

Revvity Omics, Revvity
Classification: Pathogenic for Cholestanol storage disease. Last evaluated: 2024-06-11. Review status: criteria provided, single submitter. Criteria: ACMG Guidelines, 2015. Collection method: clinical testing. Allele origin: germline.

Fulgent Genetics
Classification: Pathogenic for Cholestanol storage disease. Last evaluated: 2024-03-25. Review status: criteria provided, single submitter. Criteria: ACMG Guidelines, 2015. Collection method: clinical testing. Allele origin: germline.

Baylor Genetics
Classification: Pathogenic for Cholestanol storage disease. Last evaluated: 2024-02-17. Review status: criteria provided, single submitter. Criteria: ACMG Guidelines, 2015. Collection method: clinical testing. Allele origin: unknown.

Laboratory of Medical Genetics, National & Kapodistrian University of Athens
Classification: Pathogenic for Cholestanol storage disease. Last evaluated: 2024-02-01. Review status: criteria provided, single submitter. Criteria: ACMG Guidelines, 2015. Collection method: curation. Allele origin: germline. Affected: no.

Blueprint Genetics
Classification: Pathogenic for CYP27A1-related disorders. Last evaluated: 2023-09-19. Review status: criteria provided, single submitter. Criteria: ACMG Guidelines, 2015. Collection method: clinical testing. Allele origin: germline. Affected: yes. Observed: 5 variant alleles.

Women's Health and Genetics/Laboratory Corporation of America, LabCorp
Classification: Pathogenic for Cholestanol storage disease. Last evaluated: 2021-09-13. Review status: criteria provided, single submitter. Criteria: LabCorp Variant Classification Summary - May 2015. Collection method: clinical testing. Allele origin: germline.
Comment: Variant summary: CYP27A1 c.646G>C (p.Ala216Pro) results in a non-conservative amino acid change in the encoded protein sequence. Five of five in-silico tools predict a damaging effect of the variant on protein function. The variant is located at the last nucleotide of exon 3. Several computational tools predict a significant impact on normal splicing: Four predict the variant abolishes a 5' splicing donor site. Four predict the variant abolishes a 3' acceptor site. Experimental studies report this variant to affect mRNA splicing (Garuti_1996). The variant allele was found at a frequency of 3.2e-05 in 251286 control chromosomes. c.646G>C has been reported in the literature in numerous individuals affected with Cerebrotendinous Xanthomatosis both in the homozygous and compound heterozygous state (Garuti_1996, Bartholdi_2004, Ginanneschi_2013, etc). Experimental studies performed on fibroblasts from an individual homozygous for the variant showed a negligible or a very low residual activity compared to controls (Garuti_1996). Four clinical diagnostic laboratories have submitted clinical-significance assessments for this variant to ClinVar after 2014 without evidence for independent evaluation. All laboratories classified the variant as pathogenic/likely pathogenic. Based on the evidence outlined above, the variant was classified as pathogenic.

Institute of Medical Genetics and Applied Genomics, University Hospital Tübingen
Classification: Likely pathogenic. Last evaluated: 2020-10-23. Review status: criteria provided, single submitter. Criteria: ACMG Guidelines, 2015. Collection method: clinical testing. Allele origin: germline. Inheritance: Autosomal recessive inheritance. Affected: yes.

PreventionGenetics, part of Exact Sciences
Classification: Pathogenic for CYP27A1-related condition. Last evaluated: 2023-11-15. Review status: no assertion criteria provided. Collection method: clinical testing. Allele origin: germline. Not counted in ClinVar's aggregate classification.
Comment: The CYP27A1 c.646G>C variant is predicted to result in the amino acid substitution p.Ala216Pro. This variant is also referred to as p.Ala183Pro in literature. This variant has been reported in the homozygous state and along with another variant in CYP27A1 in multiple individuals with cerebrotendinous xanthomatosis (Garuti et al. 1996. PubMed ID: 8827518, Gupta et al. 2007. PubMed ID: 17697869; Verrips et al. 2000. PubMed ID: 10775536). Splicing analysis found this variant results in aberrant splicing and reduced mRNA levels (Garuti et al. 1996. PubMed ID: 8827518; Gupta et al. 2007. PubMed ID: 17697869). This variant is interpreted as pathogenic.

GeneReviews
Classification: Pathogenic for Cerebrotendinous Xanthomatosis. Last evaluated: 2013-08-01. Review status: no assertion criteria provided. Collection method: curation. Allele origin: unknown. Not counted in ClinVar's aggregate classification.
ClinVar note: Converted during submission from pathologic to Pathogenic.

Clinical Genetics, Academic Medical Center
Classification: Pathogenic. Review status: no assertion criteria provided. Collection method: clinical testing. Allele origin: germline. Affected: yes. Study: VKGL Data-share Consensus. Not counted in ClinVar's aggregate classification.

Genome Diagnostics Laboratory, University Medical Center Utrecht
Classification: Pathogenic. Review status: no assertion criteria provided. Collection method: clinical testing. Allele origin: germline. Affected: yes. Study: VKGL Data-share Consensus. Not counted in ClinVar's aggregate classification.

Joint Genome Diagnostic Labs from Nijmegen and Maastricht, Radboudumc and MUMC+
Classification: Pathogenic. Review status: no assertion criteria provided. Collection method: clinical testing. Allele origin: germline. Affected: yes. Study: VKGL Data-share Consensus. Not counted in ClinVar's aggregate classification.

Literature cited by the submitters: PubMed 8827518 (cited by Labcorp Genetics (formerly Invitae), Labcorp and Women's Health and Genetics/Laboratory Corporation of America, LabCorp); PubMed 10775536 (cited by Labcorp Genetics (formerly Invitae), Labcorp); PubMed 14999499 (cited by Labcorp Genetics (formerly Invitae), Labcorp and Women's Health and Genetics/Laboratory Corporation of America, LabCorp); PubMed 24746394 (cited by Labcorp Genetics (formerly Invitae), Labcorp); PubMed 17576681 (cited by Labcorp Genetics (formerly Invitae), Labcorp); PubMed 9536098 (cited by Labcorp Genetics (formerly Invitae), Labcorp); PubMed 22878431 (cited by Natera, Inc. and Women's Health and Genetics/Laboratory Corporation of America, LabCorp).